The following is an entry in ClinVar:

ClinVar aggregate classification (germline): Uncertain significance. Review status: criteria provided, multiple submitters, no conflicts (2 of 4 stars). 2 submissions from 2 submitters: Uncertain significance (2). Last evaluated 2025-06-10.

Allele frequency attached by ClinVar (database versions not stated): gnomAD exomes 0.00017; ExAC 0.00007; gnomAD 0.00009; TOPMed 0.00009.

Submissions (2):

Ambry Genetics
Classification: Uncertain significance. Last evaluated: 2025-06-10. Review status: criteria provided, single submitter. Criteria: Ambry Variant Classification Scheme 2023. Collection method: clinical testing. Allele origin: germline.

GeneDx
Classification: Uncertain significance. Last evaluated: 2024-04-25. Review status: criteria provided, single submitter. Criteria: GeneDx Variant Classification Process June 2021. Collection method: clinical testing. Allele origin: germline. Affected: yes.
Comment: In silico analysis indicates that this missense variant does not alter protein structure/function; Has not been previously published as pathogenic or benign to our knowledge

NM_014415.4(ZBTB11):c.1376A>G (p.Asp459Gly)

Gene: ZBTB11 (zinc finger and BTB domain containing 11; minus strand). Cytogenetic location: 3q12.3.
Variant type: single nucleotide variant.
Coding change: c.1376A>G on transcript NM_014415.4 (MANE Select); coding-DNA position 1376, A replaced by G.
Protein change: p.Asp459Gly; replaces aspartic acid 459 with glycine.
Molecular consequence: missense variant.
Genome position (GRCh38, 1-based): chr3:101,665,211, T>C on the plus strand (A>G on the coding strand, the complement: ZBTB11 is on the minus strand). VCF-style: chr3-101665211-T-C. GRCh37 (hg19) VCF-style: chr3-101384055-T-C.
Other names: short protein forms D459G.
Identifiers: ClinVar variation 2379642 (VCV002379642.4), dbSNP rs200975356, ClinGen allele CA2521195.